The following is an entry in ClinVar:

ClinVar aggregate classification (germline): Benign/Likely benign. Review status: criteria provided, multiple submitters, no conflicts (2 of 4 stars). 14 submissions from 14 submitters: Benign (5); Likely benign (4). 5 of the submissions do not count toward it. Last evaluated 2026-04-01.

Conditions:
Cardiovascular phenotype. Identifiers: MedGen CN230736.
Dilated cardiomyopathy 1KK (CMD1KK). Identifiers: Orphanet 154, Orphanet 75249, MedGen C3714995, MONDO:0014100, OMIM 615248.

Allele frequency attached by ClinVar (database versions not stated): 1000 Genomes Project 0.00100; 1000 Genomes Project 30x 0.00109; ExAC 0.00142; gnomAD exomes 0.00149 and 0.00225; gnomAD 0.00154 and 0.00160; TOPMed 0.00186; ESP Exome Variant Server 0.00238.
gnomAD v4.1: 3,505 of 1,613,020 alleles (0.22%); highest among the groups gnomAD compares: Non-Finnish European, 0.28%; 8 homozygotes.

Submissions (14):

CeGaT Center for Human Genetics Tuebingen
Classification: Likely benign. Last evaluated: 2026-04-01. Review status: criteria provided, single submitter. Criteria: CeGaT Center For Human Genetics Tuebingen Variant Classification Criteria Version 2. Collection method: clinical testing. Allele origin: germline. Affected: yes. Observed: 10 variant alleles.
Comment: MYPN: BP4, BP7

Labcorp Genetics (formerly Invitae), Labcorp
Classification: Benign for Dilated cardiomyopathy 1KK. Last evaluated: 2026-01-28. Review status: criteria provided, single submitter. Criteria: Invitae Variant Classification Sherloc (09022015). Collection method: clinical testing. Allele origin: germline.

Mayo Clinic Laboratories, Mayo Clinic
Classification: Benign. Last evaluated: 2025-09-19. Review status: criteria provided, single submitter. Criteria: ACMG Guidelines, 2015. Collection method: clinical testing. Allele origin: germline. Observed: 6 variant alleles.
Comment: BS1, BS2, BP4, BP7

Blueprint Genetics
Classification: Likely benign. Last evaluated: 2024-11-20. Review status: criteria provided, single submitter. Criteria: ACMG Guidelines, 2015. Collection method: clinical testing. Allele origin: germline.

Women's Health and Genetics/Laboratory Corporation of America, LabCorp
Classification: Benign. Last evaluated: 2023-10-09. Review status: criteria provided, single submitter. Criteria: LabCorp Variant Classification Summary - May 2015. Collection method: clinical testing. Allele origin: germline.

Genome Diagnostics Laboratory, University Medical Center Utrecht
Classification: Likely benign for Dilated cardiomyopathy 1KK. Last evaluated: 2016-11-28. Review status: criteria provided, single submitter. Criteria: ACGS Guidelines, 2013. Collection method: clinical testing. Allele origin: germline. Affected: yes. Study: VKGL Data-share Consensus.

Ambry Genetics
Classification: Likely benign for Cardiovascular phenotype. Last evaluated: 2016-02-19. Review status: criteria provided, single submitter. Criteria: Ambry Variant Classification Scheme 2023. Collection method: clinical testing. Allele origin: germline.

Laboratory for Molecular Medicine, Mass General Brigham Personalized Medicine
Classification: Benign. Last evaluated: 2015-01-13. Review status: criteria provided, single submitter. Criteria: LMM Criteria. Collection method: clinical testing. Allele origin: germline. Observed: 2 variant alleles.
Comment: p.Gly368Gly in exon 5 of MYPN: This variant is not expected to have clinical sig nificance because it does not alter an amino acid residue and is not located wit hin the splice consensus sequence. It has been identified in 0.3% (30/8600) of E uropean American chromosomes from a broad population by the NHLBI Exome Sequenci ng Project (dbSNP rs144764983).

GeneDx
Classification: Benign. Last evaluated: 2014-05-22. Review status: criteria provided, single submitter. Criteria: GeneDx Variant Classification (06012015). Collection method: clinical testing. Allele origin: germline. Affected: yes.
Comment: This variant is considered likely benign or benign based on one or more of the following criteria: it is a conservative change, it occurs at a poorly conserved position in the protein, it is predicted to be benign by multiple in silico algorithms, and/or has population frequency not consistent with disease.

Leiden Muscular Dystrophy (MYPN)
No classification provided. Last evaluated: 2012-04-27. Review status: no classification provided. Collection method: curation. Allele origin: germline. Not counted in ClinVar's aggregate classification.

Clinical Genetics DNA and cytogenetics Diagnostics Lab, Erasmus MC, Erasmus Medical Center
Classification: Likely benign. Review status: no assertion criteria provided. Collection method: clinical testing. Allele origin: germline. Affected: yes. Study: VKGL Data-share Consensus. Not counted in ClinVar's aggregate classification.

Clinical Genetics, Academic Medical Center
Classification: Benign. Review status: no assertion criteria provided. Collection method: clinical testing. Allele origin: germline. Affected: yes. Study: VKGL Data-share Consensus. Not counted in ClinVar's aggregate classification.

Diagnostic Laboratory, Department of Genetics, University Medical Center Groningen
Classification: Likely benign for Dilated cardiomyopathy 1KK. Review status: no assertion criteria provided. Collection method: clinical testing. Allele origin: germline. Affected: yes. Study: VKGL Data-share Consensus. Not counted in ClinVar's aggregate classification.

Joint Genome Diagnostic Labs from Nijmegen and Maastricht, Radboudumc and MUMC+
Classification: Benign. Review status: no assertion criteria provided. Collection method: clinical testing. Allele origin: germline. Affected: yes. Study: VKGL Data-share Consensus. Not counted in ClinVar's aggregate classification.

NM_032578.4(MYPN):c.1104C>T (p.Gly368=)

Gene: MYPN (myopalladin; plus strand). Cytogenetic location: 10q21.3.
Variant type: single nucleotide variant.
Coding change: c.1104C>T on transcript NM_032578.4 (MANE Select); coding-DNA position 1104, C replaced by T.
Protein change: p.Gly368=; no amino-acid change (glycine 368 retained).
Molecular consequence: synonymous variant. On other transcripts: non-coding transcript variant (2).
Genome position (GRCh38, 1-based): chr10:68,145,500, C>T. VCF-style: chr10-68145500-C-T. GRCh37 (hg19) VCF-style: chr10-69905257-C-T.
Other names: p.G368G:GGC>GGT; p.Gly368=; c.1104C>T, p.Gly368= (NM_001256267.2); c.222C>T, p.Gly74= (NM_001256268.2).
Identifiers: ClinVar variation 31836 (VCV000031836.60), dbSNP rs144764983, ClinGen allele CA215384.
Genomic context (GRCh38, chr10:68,145,500, plus strand): 5'-CTTAACAATCTTATGTCTTGTTTTTATTTTTCCAGGGGTTTCTTCTTCTGACTCAGAAGG[C>T]GACCCTAACAAGGAAGAGATGAATCGGTAATTCTGATTTTCTGTCTTATAGCTTTAGCAT-3'
Protein context (NP_115967.2, residues 358-378): IEGVSSSDSE[Gly368=]DPNKEEMNRI